The following is an entry in ClinVar:

NM_015570.4(AUTS2):c.3460C>T (p.Arg1154Cys)

Gene: AUTS2 (activator of transcription and developmental regulator AUTS2; plus strand). Cytogenetic location: 7q11.22.
Variant type: single nucleotide variant.
Coding change: c.3460C>T on transcript NM_015570.4 (MANE Select); coding-DNA position 3460, C replaced by T.
Protein change: p.Arg1154Cys; replaces arginine 1154 with cysteine.
Molecular consequence: missense variant.
Genome position (GRCh38, 1-based): chr7:70,790,676, C>T. VCF-style: chr7-70790676-C-T. GRCh37 (hg19) VCF-style: chr7-70255662-C-T.
Other names: c.3388C>T, p.Arg1130Cys (NM_001127231.3); short protein forms R1130C, R1154C.
Identifiers: ClinVar variation 1695191 (VCV001695191.31), dbSNP rs374217111, ClinGen allele CA4281349.
Genomic context (GRCh38, chr7:70,790,676, plus strand): 5'-CCGCTGTCTGTGGACCCTCGGCGGGAGCACGAGCGGGGAGGCCACCTGGACGAGCGGGAG[C>T]GCTTGCACATGCTCAGAGAAGACTACGAGCACACGCGGCTCCACTCCGTGCACCCCGCCT-3'
Protein context (NP_056385.1, residues 1144-1164): ERGGHLDERE[Arg1154Cys]LHMLREDYEH

ClinVar aggregate classification (germline): Likely benign (1 of 4 stars; one submission).

Allele frequency attached by ClinVar (database versions not stated): ExAC 0.00001; gnomAD exomes 0.00001; gnomAD 0.00002; TOPMed 0.00002; ESP Exome Variant Server 0.00008.
gnomAD v4.1: 23 of 1,613,518 alleles (0.0014%); highest among the groups gnomAD compares: Non-Finnish European, 0.0019%; no homozygotes.

Submission:

CeGaT Center for Human Genetics Tuebingen
Classification: Likely benign. Last evaluated: 2022-04-01. Review status: criteria provided, single submitter. Criteria: CeGaT Center For Human Genetics Tuebingen Variant Classification Criteria Version 2. Collection method: clinical testing. Allele origin: germline. Affected: yes. Observed: 1 variant allele.
Comment: AUTS2: BP1